The following is an entry in ClinVar:

NM_015466.4(PTPN23):c.4016G>A (p.Arg1339Gln)

Gene: PTPN23 (protein tyrosine phosphatase non-receptor type 23; plus strand). Cytogenetic location: 3p21.31.
Variant type: single nucleotide variant.
Coding change: c.4016G>A on transcript NM_015466.4 (MANE Select); coding-DNA position 4016, G replaced by A.
Protein change: p.Arg1339Gln; replaces arginine 1339 with glutamine.
Molecular consequence: missense variant.
Genome position (GRCh38, 1-based): chr3:47,411,910, G>A. VCF-style: chr3-47411910-G-A. GRCh37 (hg19) VCF-style: chr3-47453400-G-A.
Other names: c.3638G>A, p.Arg1213Gln (NM_001304482.2); c.4016G>A (NM_015466.2); short protein forms R1213Q, R1339Q.
Identifiers: ClinVar variation 1521797 (VCV001521797.9), dbSNP rs1014265248, ClinGen allele CA73884529.

ClinVar aggregate classification (germline): Uncertain significance. Review status: criteria provided, multiple submitters, no conflicts (2 of 4 stars). 2 submissions from 2 submitters: Uncertain significance (2). Last evaluated 2025-12-16.

Conditions:
Inborn genetic diseases. Identifiers: MedGen C0950123, MeSH D030342.

Allele frequency attached by ClinVar (database versions not stated): gnomAD exomes 0.00001; TOPMed 0.00007; gnomAD 0.00001.
gnomAD v4.1: 16 of 1,613,246 alleles (0.00099%); highest among the groups gnomAD compares: African/African-American, 0.0027%; no homozygotes.

Submissions (2):

Ambry Genetics
Classification: Uncertain significance for Inborn genetic diseases. Last evaluated: 2025-12-16. Review status: criteria provided, single submitter. Criteria: Ambry Variant Classification Scheme 2023. Collection method: clinical testing. Allele origin: germline.

Labcorp Genetics (formerly Invitae), Labcorp
Classification: Uncertain significance. Last evaluated: 2024-07-01. Review status: criteria provided, single submitter. Criteria: Invitae Variant Classification Sherloc (09022015). Collection method: clinical testing. Allele origin: germline.
Comment: This sequence change replaces arginine, which is basic and polar, with glutamine, which is neutral and polar, at codon 1339 of the PTPN23 protein (p.Arg1339Gln). This variant is not present in population databases (gnomAD no frequency). This variant has not been reported in the literature in individuals affected with PTPN23-related conditions. ClinVar contains an entry for this variant (Variation ID: 1521797). An algorithm developed to predict the effect of missense changes on protein structure and function (PolyPhen-2) suggests that this variant is likely to be disruptive. In summary, the available evidence is currently insufficient to determine the role of this variant in disease. Therefore, it has been classified as a Variant of Uncertain Significance.